The following is an entry in ClinVar:

NM_152732.5(RSPH9):c.274A>C (p.Met92Leu)

Gene: RSPH9 (radial spoke head component 9; plus strand). Cytogenetic location: 6p21.1.
Variant type: single nucleotide variant.
Coding change: c.274A>C on transcript NM_152732.5 (MANE Select); coding-DNA position 274, A replaced by C.
Protein change: p.Met92Leu; replaces methionine 92 with leucine.
Molecular consequence: missense variant. On other transcripts: non-coding transcript variant (1).
Genome position (GRCh38, 1-based): chr6:43,650,421, A>C. VCF-style: chr6-43650421-A-C. GRCh37 (hg19) VCF-style: chr6-43618158-A-C.
Other names: c.274A>C, p.Met92Leu (NM_001193341.2, NM_001424119.1, NM_001424120.1 and 1 more transcripts); short protein forms M92L.
Identifiers: ClinVar variation 3623911 (VCV003623911.2).
Genomic context (GRCh38, chr6:43,650,421, plus strand): 5'-AATATTGTTGGCAGCCTGAACTGCACAGAGTGGAGCCTCTTGCCCCCTGCCACAGAGGAG[A>C]TGGTGGCGCAGTCGTCTGTGGTGAAGGGCCGCTTCATGGGGGACCCATCATACGAATATG-3'
Protein context (NP_689945.2, residues 82-102): WSLLPPATEE[Met92Leu]VAQSSVVKGR

ClinVar aggregate classification (germline): Uncertain significance (1 of 4 stars; one submission).

Conditions:
Primary ciliary dyskinesia. Also called: Ciliary dyskinesia. Identifiers: Orphanet 244, MedGen C0008780, MONDO:0016575, HP:0012265.

Submission:

Labcorp Genetics (formerly Invitae), Labcorp
Classification: Uncertain significance for Primary ciliary dyskinesia. Last evaluated: 2024-04-07. Review status: criteria provided, single submitter. Criteria: Invitae Variant Classification Sherloc (09022015). Collection method: clinical testing. Allele origin: germline.
Comment: This sequence change replaces methionine, which is neutral and non-polar, with leucine, which is neutral and non-polar, at codon 92 of the RSPH9 protein (p.Met92Leu). This variant is present in population databases (no rsID available, gnomAD 0.003%). This variant has not been reported in the literature in individuals affected with RSPH9-related conditions. An algorithm developed to predict the effect of missense changes on protein structure and function (PolyPhen-2) suggests that this variant is likely to be tolerated. In summary, the available evidence is currently insufficient to determine the role of this variant in disease. Therefore, it has been classified as a Variant of Uncertain Significance.